The following is an entry in ClinVar:

NM_001365951.3(KIF1B):c.5195T>C (p.Ile1732Thr)

Gene: KIF1B (kinesin family member 1B; plus strand). Cytogenetic location: 1p36.22.
Variant type: single nucleotide variant.
Coding change: c.5195T>C on transcript NM_001365951.3 (MANE Select); coding-DNA position 5195, T replaced by C.
Protein change: p.Ile1732Thr; replaces isoleucine 1732 with threonine.
Molecular consequence: missense variant.
Genome position (GRCh38, 1-based): chr1:10,374,952, T>C. VCF-style: chr1-10374952-T-C. GRCh37 (hg19) VCF-style: chr1-10435010-T-C.
Other names: c.5195T>C, p.Ile1732Thr (NM_001365952.1); c.5057T>C, p.Ile1686Thr (NM_015074.3); short protein forms I1732T, I1686T.
Identifiers: ClinVar variation 4092294 (VCV004092294.1).
Genomic context (GRCh38, chr1:10,374,952, plus strand): 5'-AGCCTCTTTACAGTAACTGGGCTAAACATTTTGTTGTCGTCCGTCGGCCTTATGTCTTCA[T>C]CTATAACAGTGACAAAGACCCTGTGGAGCGTGGAATCATTAACCTGTCCACAGCACAGGT-3'
Protein context (NP_001352880.1, residues 1722-1742): FVVVRRPYVF[Ile1732Thr]YNSDKDPVER

ClinVar aggregate classification (germline): Uncertain significance (1 of 4 stars; one submission).

gnomAD v4.1: 4 of 1,614,198 alleles (0.00025%); highest among the groups gnomAD compares: South Asian, 0.0044%; no homozygotes.

Submission:

Ambry Genetics
Classification: Uncertain significance. Last evaluated: 2025-06-22. Review status: criteria provided, single submitter. Criteria: Ambry Variant Classification Scheme 2023. Collection method: clinical testing. Allele origin: germline.
Comment: The p.I1686T variant (also known as c.5057T>C), located in coding exon 44 of the KIF1B gene, results from a T to C substitution at nucleotide position 5057. The isoleucine at codon 1686 is replaced by threonine, an amino acid with similar properties. This amino acid position is conserved. In addition, the in silico prediction for this alteration is inconclusive. Based on the available evidence, the clinical significance of this variant remains unclear.